The following is an entry in ClinVar:

NM_013447.4(ADGRE2):c.1733G>C (p.Cys578Ser)

Gene: ADGRE2 (adhesion G protein-coupled receptor E2; minus strand). Cytogenetic location: 19p13.12.
Variant type: single nucleotide variant.
Coding change: c.1733G>C on transcript NM_013447.4 (MANE Select); coding-DNA position 1733, G replaced by C.
Protein change: p.Cys578Ser; replaces cysteine 578 with serine.
Molecular consequence: missense variant.
Genome position (GRCh38, 1-based): chr19:14,752,384, C>G on the plus strand (G>C on the coding strand, the complement: ADGRE2 is on the minus strand). VCF-style: chr19-14752384-C-G. GRCh37 (hg19) VCF-style: chr19-14863196-C-G.
Other names: c.1559G>C, p.Cys520Ser (NM_001271052.1); c.1586G>C, p.Cys529Ser (NM_152916.2); c.1454G>C, p.Cys485Ser (NM_152917.2); short protein forms C520S, C578S, C485S, C529S.
Identifiers: ClinVar variation 2120592 (VCV002120592.4), dbSNP rs768352866, ClinGen allele CA9257623.

ClinVar aggregate classification (germline): Uncertain significance (1 of 4 stars; one submission).

Allele frequency attached by ClinVar (database versions not stated): TOPMed below 0.00001; ExAC 0.00002.

Submission:

Labcorp Genetics (formerly Invitae), Labcorp
Classification: Uncertain significance. Last evaluated: 2023-11-27. Review status: criteria provided, single submitter. Criteria: Invitae Variant Classification Sherloc (09022015). Collection method: clinical testing. Allele origin: germline.
Comment: This sequence change replaces cysteine, which is neutral and slightly polar, with serine, which is neutral and polar, at codon 578 of the ADGRE2 protein (p.Cys578Ser). This variant is present in population databases (rs768352866, gnomAD 0.006%). This variant has not been reported in the literature in individuals affected with ADGRE2-related conditions. ClinVar contains an entry for this variant (Variation ID: 2120592). An algorithm developed to predict the effect of missense changes on protein structure and function (PolyPhen-2) suggests that this variant is likely to be disruptive. In summary, the available evidence is currently insufficient to determine the role of this variant in disease. Therefore, it has been classified as a Variant of Uncertain Significance.